The following is an entry in ClinVar:

NM_001711.6(BGN):c.997A>G (p.Asn333Asp)

Gene: BGN (biglycan; plus strand). Cytogenetic location: Xq28.
Variant type: single nucleotide variant.
Coding change: c.997A>G on transcript NM_001711.6 (MANE Select); coding-DNA position 997, A replaced by G.
Protein change: p.Asn333Asp; replaces asparagine 333 with aspartic acid.
Molecular consequence: missense variant.
Genome position (GRCh38, 1-based): chrX:153,508,335, A>G. VCF-style: chrX-153508335-A-G. GRCh37 (hg19) VCF-style: chrX-152773793-A-G.
Other names: short protein forms N333D.
Identifiers: ClinVar variation 1033442 (VCV001033442.1), dbSNP rs2089818415, ClinGen allele CA415071813.
Genomic context (GRCh38, chrX:153,508,335, plus strand): 5'-ACCAAAGTGGGTGTCAACGACTTCTGTCCCATGGGCTTCGGGGTGAAGCGGGCCTACTAC[A>G]ACGGCATCAGCCTCTTCAACAACCCCGTGCCCTACTGGGAGGTGCAGCCGGCCACTTTCC-3'
Protein context (NP_001702.1, residues 323-343): MGFGVKRAYY[Asn333Asp]GISLFNNPVP

ClinVar aggregate classification (germline): Uncertain significance (1 of 4 stars; one submission).

Conditions:
Meester-Loeys syndrome. Also called: X-linked severe syndromic thoracic aortic aneurysm and dissection. Identifiers: Orphanet 622925, MedGen C4310811, MONDO:0010515, OMIM 300989.

Submission:

Baylor Genetics
Classification: Uncertain significance for Meester-Loeys syndrome. Last evaluated: 2018-03-16. Review status: criteria provided, single submitter. Criteria: ACMG Guidelines, 2015. Collection method: clinical testing. Allele origin: unknown. Affected: yes.
Comment: This variant was determined to be of uncertain significance according to ACMG Guidelines, 2015 [PMID:25741868].